The following is an entry in ClinVar:

NM_007118.4(TRIO):c.4082A>T (p.Lys1361Ile)

Gene: TRIO (trio Rho guanine nucleotide exchange factor; plus strand). Cytogenetic location: 5p15.2.
Variant type: single nucleotide variant.
Coding change: c.4082A>T on transcript NM_007118.4 (MANE Select); coding-DNA position 4082, A replaced by T.
Protein change: p.Lys1361Ile; replaces lysine 1361 with isoleucine.
Molecular consequence: missense variant. On other transcripts: non-coding transcript variant (1).
Genome position (GRCh38, 1-based): chr5:14,390,254, A>T. VCF-style: chr5-14390254-A-T. GRCh37 (hg19) VCF-style: chr5-14390363-A-T.
Other names: short protein forms K1361I.
Identifiers: ClinVar variation 1302797 (VCV001302797.2), dbSNP rs1445993986, ClinGen allele CA359230447.

ClinVar aggregate classification (germline): Uncertain significance (1 of 4 stars; one submission).

Allele frequency attached by ClinVar (database versions not stated): TOPMed below 0.00001.

Submission:

GeneDx
Classification: Uncertain significance. Last evaluated: 2021-04-02. Review status: criteria provided, single submitter. Criteria: GeneDx Variant Classification Process June 2021. Collection method: clinical testing. Allele origin: germline. Affected: yes.
Comment: Not observed in large population cohorts (Lek et al., 2016); In silico analysis supports that this missense variant has a deleterious effect on protein structure/function; Has not been previously published as pathogenic or benign to our knowledge